The following is an entry in ClinVar:

ClinVar aggregate classification (germline): Pathogenic (1 of 4 stars; one submission).

Conditions:
Tuberous sclerosis 1 (TSC1). Identifiers: Orphanet 805, MedGen C1854465, MONDO:0008612, OMIM 191100.

Submission:

Labcorp Genetics (formerly Invitae), Labcorp
Classification: Pathogenic for Tuberous sclerosis 1. Last evaluated: 2022-10-15. Review status: criteria provided, single submitter. Criteria: Invitae Variant Classification Sherloc (09022015). Collection method: clinical testing. Allele origin: germline.
Comment: This sequence change creates a premature translational stop signal (p.His894Metfs*37) in the TSC1 gene. It is expected to result in an absent or disrupted protein product. Loss-of-function variants in TSC1 are known to be pathogenic (PMID: 10227394, 17304050). This variant is not present in population databases (gnomAD no frequency). This variant has not been reported in the literature in individuals affected with TSC1-related conditions. For these reasons, this variant has been classified as Pathogenic.

Literature cited by the submitters: PubMed 10227394; PubMed 17304050.

NM_000368.5(TSC1):c.2680del (p.His894fs)

Gene: TSC1 (TSC complex subunit 1; minus strand). Cytogenetic location: 9q34.13.
Variant type: Deletion.
Coding change: c.2680del on transcript NM_000368.5 (MANE Select); coding-DNA position 2680, one base deleted (C; older notation c.2680delC).
Protein change: p.His894fs; shifts the reading frame from histidine 894.
Molecular consequence: frameshift variant.
Genome position (GRCh38, 1-based): chr9:132,897,556, G deleted on the plus strand (C on the coding strand, the reverse complement: TSC1 is on the minus strand); the first of 2 consecutive G bases (chr9:132,897,556-132,897,557); deleting either gives the same sequence. VCF-style (leftmost placement, unchanged base first): chr9-132897555-TG-T. GRCh37 (hg19) VCF-style: chr9-135772942-TG-T.
Other names: c.2677del, p.His893fs (NM_001162426.2); c.2527del, p.His843fs (NM_001162427.2); c.2317del, p.His773fs (NM_001362177.2); c.2679delC, p.His894Metfs (NM_001406592.1, NM_001406593.1, NM_001406594.1 and 2 more transcripts); c.2676delC, p.His893Metfs (NM_001406597.1, NM_001406598.1, NM_001406599.1 and 1 more transcripts); c.2664delC, p.His889Metfs (NM_001406601.1, NM_001406602.1); c.2661delC, p.His888Metfs (NM_001406603.1, NM_001406604.1); c.2637delC, p.His880Metfs (NM_001406605.1, NM_001406606.1, NM_001406607.1); and 11 more; short protein forms H843fs, H893fs, H894fs, H773fs.
Identifiers: ClinVar variation 2035721 (VCV002035721.4), dbSNP rs2538495264, ClinGen allele CA2580080114.
Genomic context (GRCh38, chr9:132,897,555, plus strand): 5'-GATTCCAGTTCCAAAATCCGTTTTTGGGAGGTATCAAGCCTCTGAGTCTGCTGGAGAACA[TG>T]GCTTCTGTTTTTTTCTAGCTCTTTCCGATAGGCGGCTTTCATCATTTCTACTTCCTGAAA-3'